The following is an entry in ClinVar:

ClinVar aggregate classification (germline): Uncertain significance (1 of 4 stars; one submission).

Conditions:
Hypertrophic cardiomyopathy 1 (CMH1). Also called: MYH7-Related Familial Hypertrophic Cardiomyopathy; Familial hypertrophic cardiomyopathy 1. Identifiers: MedGen C3495498, MONDO:0008647, OMIM 192600.

Allele frequency attached by ClinVar (database versions not stated): ExAC 0.00001; gnomAD exomes 0.00001; TOPMed 0.00001; ESP Exome Variant Server 0.00008.
gnomAD v4.1: 15 of 1,613,928 alleles (0.00093%); highest among the groups gnomAD compares: African/African-American, 0.0093%; no homozygotes.

Submission:

Labcorp Genetics (formerly Invitae), Labcorp
Classification: Uncertain significance for Hypertrophic cardiomyopathy 1. Last evaluated: 2022-08-07. Review status: criteria provided, single submitter. Criteria: Invitae Variant Classification Sherloc (09022015). Collection method: clinical testing. Allele origin: germline.
Comment: This variant is present in population databases (rs371836552, gnomAD 0.01%). This sequence change replaces serine, which is neutral and polar, with leucine, which is neutral and non-polar, at codon 225 of the MYLK2 protein (p.Ser225Leu). This variant has not been reported in the literature in individuals affected with MYLK2-related conditions. Algorithms developed to predict the effect of missense changes on protein structure and function (SIFT, PolyPhen-2, Align-GVGD) all suggest that this variant is likely to be tolerated. In summary, the available evidence is currently insufficient to determine the role of this variant in disease. Therefore, it has been classified as a Variant of Uncertain Significance.

NM_033118.4(MYLK2):c.674C>T (p.Ser225Leu)

Gene: MYLK2 (myosin light chain kinase 2; plus strand). Cytogenetic location: 20q11.21.
Variant type: single nucleotide variant.
Coding change: c.674C>T on transcript NM_033118.4 (MANE Select); coding-DNA position 674, C replaced by T.
Protein change: p.Ser225Leu; replaces serine 225 with leucine.
Molecular consequence: missense variant.
Genome position (GRCh38, 1-based): chr20:31,821,639, C>T. VCF-style: chr20-31821639-C-T. GRCh37 (hg19) VCF-style: chr20-30409442-C-T.
Other names: short protein forms S225L.
Identifiers: ClinVar variation 2200756 (VCV002200756.4), dbSNP rs371836552, ClinGen allele CA9802971.